The following is an entry in ClinVar:

NM_020461.4(TUBGCP6):c.2318G>A (p.Arg773His)

Gene: TUBGCP6 (tubulin gamma complex component 6; minus strand). Cytogenetic location: 22q13.33.
Variant type: single nucleotide variant.
Coding change: c.2318G>A on transcript NM_020461.4 (MANE Select); coding-DNA position 2318, G replaced by A.
Protein change: p.Arg773His; replaces arginine 773 with histidine.
Molecular consequence: missense variant.
Genome position (GRCh38, 1-based): chr22:50,222,545, C>T on the plus strand (G>A on the coding strand, the complement: TUBGCP6 is on the minus strand). VCF-style: chr22-50222545-C-T. GRCh37 (hg19) VCF-style: chr22-50660974-C-T.
Other names: c.2318G>A (NM_020461.3); short protein forms R773H.
Identifiers: ClinVar variation 1448491 (VCV001448491.4), dbSNP rs139125978, ClinGen allele CA10308265.
Genomic context (GRCh38, chr22:50,222,545, plus strand): 5'-CGAAGCCGTGCACTCTCCAGTCGGTGCCTCTGGATTCTCCACAGTGCCTTCTGCTCCCGA[C>T]GAGCTGCCTCTGCAGAGAGCTTGCTGTAGTGGTCGACCAGTGCCTGCCTGAAGCCACACA-3'
Protein context (NP_065194.3, residues 763-783): HYSKLSAEAA[Arg773His]REQKALWRIQ

ClinVar aggregate classification (germline): Uncertain significance. Review status: criteria provided, multiple submitters, no conflicts (2 of 4 stars). 2 submissions from 2 submitters: Uncertain significance (2). Last evaluated 2023-02-15.

Conditions:
Inborn genetic diseases. Identifiers: MedGen C0950123, MeSH D030342.

Allele frequency attached by ClinVar (database versions not stated): TOPMed 0.00013; ExAC 0.00002; ESP Exome Variant Server 0.00008; gnomAD exomes 0.00007.
gnomAD v4.1: 52 of 1,613,386 alleles (0.0032%); highest among the groups gnomAD compares: Admixed American, 0.065%; no homozygotes.

Submissions (2):

Ambry Genetics
Classification: Uncertain significance for Inborn genetic diseases. Last evaluated: 2023-02-15. Review status: criteria provided, single submitter. Criteria: Ambry Variant Classification Scheme 2023. Collection method: clinical testing. Allele origin: germline.

Labcorp Genetics (formerly Invitae), Labcorp
Classification: Uncertain significance. Last evaluated: 2022-08-09. Review status: criteria provided, single submitter. Criteria: Invitae Variant Classification Sherloc (09022015). Collection method: clinical testing. Allele origin: germline.
Comment: This sequence change replaces arginine, which is basic and polar, with histidine, which is basic and polar, at codon 773 of the TUBGCP6 protein (p.Arg773His). This variant is present in population databases (rs139125978, gnomAD 0.04%). This variant has not been reported in the literature in individuals affected with TUBGCP6-related conditions. ClinVar contains an entry for this variant (Variation ID: 1448491). Algorithms developed to predict the effect of missense changes on protein structure and function are either unavailable or do not agree on the potential impact of this missense change (SIFT: "Tolerated"; PolyPhen-2: "Possibly Damaging"; Align-GVGD: "Class C0"). In summary, the available evidence is currently insufficient to determine the role of this variant in disease. Therefore, it has been classified as a Variant of Uncertain Significance.